The following is an entry in ClinVar:

NM_001845.6(COL4A1):c.1819G>C (p.Gly607Arg)

Gene: COL4A1 (collagen type IV alpha 1 chain; minus strand). Cytogenetic location: 13q34.
Variant type: single nucleotide variant.
Coding change: c.1819G>C on transcript NM_001845.6 (MANE Select); coding-DNA position 1819, G replaced by C.
Protein change: p.Gly607Arg; replaces glycine 607 with arginine.
Molecular consequence: missense variant.
Genome position (GRCh38, 1-based): chr13:110,186,463, C>G on the plus strand (G>C on the coding strand, the complement: COL4A1 is on the minus strand). VCF-style: chr13-110186463-C-G. GRCh37 (hg19) VCF-style: chr13-110838810-C-G.
Other names: short protein forms G607R.
Identifiers: ClinVar variation 434811 (VCV000434811.9), dbSNP rs1555304112, ClinGen allele CA388722666.

ClinVar aggregate classification (germline): Uncertain significance. Review status: criteria provided, multiple submitters, no conflicts (2 of 4 stars). 2 submissions from 2 submitters: Uncertain significance (2). Last evaluated 2023-03-08.

Allele frequency attached by ClinVar (database versions not stated): gnomAD exomes below 0.00001.
gnomAD v4.1: 5 of 1,613,798 alleles (0.00031%); highest among the groups gnomAD compares: Non-Finnish European, 0.00042%; no homozygotes.

Submissions (2):

Labcorp Genetics (formerly Invitae), Labcorp
Classification: Uncertain significance. Last evaluated: 2023-03-08. Review status: criteria provided, single submitter. Criteria: Invitae Variant Classification Sherloc (09022015). Collection method: clinical testing. Allele origin: germline.
Comment: This variant has not been reported in the literature in individuals affected with COL4A1-related conditions. This sequence change replaces glycine, which is neutral and non-polar, with arginine, which is basic and polar, at codon 607 of the COL4A1 protein (p.Gly607Arg). This variant is not present in population databases (gnomAD no frequency). ClinVar contains an entry for this variant (Variation ID: 434811). An algorithm developed to predict the effect of missense changes on protein structure and function (PolyPhen-2) suggests that this variant is likely to be disruptive. In summary, the available evidence is currently insufficient to determine the role of this variant in disease. Therefore, it has been classified as a Variant of Uncertain Significance.

Genetic Services Laboratory, University of Chicago
Classification: Uncertain significance. Last evaluated: 2016-11-28. Review status: criteria provided, single submitter. Criteria: ACMG Guidelines, 2015. Collection method: clinical testing. Allele origin: germline. Affected: no.